The following is an entry in ClinVar:

NM_000204.5(CFI):c.1216C>T (p.Arg406Cys)

Gene: CFI (complement factor I; minus strand). Cytogenetic location: 4q25.
Variant type: single nucleotide variant.
Coding change: c.1216C>T on transcript NM_000204.5 (MANE Select); coding-DNA position 1216, C replaced by T.
Protein change: p.Arg406Cys; replaces arginine 406 with cysteine.
Molecular consequence: missense variant. On other transcripts: non-coding transcript variant (2).
Genome position (GRCh38, 1-based): chr4:109,746,435, G>A on the plus strand (C>T on the coding strand, the complement: CFI is on the minus strand). VCF-style: chr4-109746435-G-A. GRCh37 (hg19) VCF-style: chr4-110667591-G-A.
Other names: p.Arg406Cys; c.1240C>T, p.Arg414Cys (NM_001318057.2, NM_001375278.1); c.1195C>T, p.Arg399Cys (NM_001331035.2, NM_001375280.1, NM_001375282.1); c.1216C>T, p.Arg406Cys (NM_001375279.1, NM_001375281.1); c.1159C>T, p.Arg387Cys (NM_001375283.1); c.607C>T, p.Arg203Cys (NM_001375284.1); short protein forms R203C, R399C, R414C, R406C, R387C.
Identifiers: ClinVar variation 1356015 (VCV001356015.13), dbSNP rs181729783, ClinGen allele CA3041970.

ClinVar aggregate classification (germline): Uncertain significance. Review status: criteria provided, multiple submitters, no conflicts (2 of 4 stars). 5 submissions from 5 submitters: Uncertain significance (5). Last evaluated 2026-09-17.

Conditions:
CFI-related disorder. Also called: CFI-related condition; CFI-related disorders. Identifiers: MedGen CN239325.
Factor I deficiency (CFID). Also called: Complement factor I deficiency. Identifiers: Orphanet 200418, MedGen C3463916, MONDO:0012594, OMIM 610984.
Age related macular degeneration 13. Identifiers: MedGen C3809523, MONDO:0014189, OMIM 615439.
Atypical hemolytic-uremic syndrome with I factor anomaly. Also called: HEMOLYTIC UREMIC SYNDROME, ATYPICAL, SUSCEPTIBILITY TO, 3; AHUS, SUSCEPTIBILITY TO, 3. Identifiers: Orphanet 2134, MedGen C2752039, MONDO:0013041, OMIM 612923.

Allele frequency attached by ClinVar (database versions not stated): ExAC 0.00006; gnomAD exomes 0.00006 and 0.00008; ESP Exome Variant Server 0.00008; 1000 Genomes Project 30x 0.00016; 1000 Genomes Project 0.00020; gnomAD 0.00024 and 0.00026; TOPMed 0.00039.
gnomAD v4.1: 127 of 1,613,562 alleles (0.0079%); highest among the groups gnomAD compares: African/African-American, 0.052%; 1 homozygote.

Submissions (5):

Genomenon, Inc
Classification: Uncertain significance for CFI-related disorder. Last evaluated: 2026-09-17. Review status: criteria provided, single submitter. Criteria: Genomenon Sequence Variant Interpretation Standards - Updated. Collection method: curation. Allele origin: germline. Affected: yes.
Comment: CFI p.Arg406Cys (c.1216C>T) is a missense variant that changes the amino acid at codon 406 from Arginine to Cysteine. This variant has been observed in at least one proband affected with a CFI-related disorder (PMID:32510551;34272986;38041748;19861685). Functional studies have been reported (PMID:32510551). This variant is located in a mutational hotspot and/or important functional domain. In conclusion, we classify CFI p.Arg406Cys (c.1216C>T) as a variant of uncertain significance.

Labcorp Genetics (formerly Invitae), Labcorp
Classification: Uncertain significance. Last evaluated: 2026-01-02. Review status: criteria provided, single submitter. Criteria: Invitae Variant Classification Sherloc (09022015). Collection method: clinical testing. Allele origin: germline.
Comment: This sequence change replaces arginine, which is basic and polar, with cysteine, which is neutral and slightly polar, at codon 406 of the CFI protein (p.Arg406Cys). This variant is present in population databases (rs181729783, gnomAD 0.05%). This missense change has been observed in individual(s) with age-related macular degeneration and/or atypical hemolytic uremic syndrome (PMID: 19861685, 25899302, 28750931, 34153144, 34272986, 38852887). ClinVar contains an entry for this variant (Variation ID: 1356015). Invitae Evidence Modeling of protein sequence and biophysical properties (such as structural, functional, and spatial information, amino acid conservation, physicochemical variation, residue mobility, and thermodynamic stability) indicates that this missense variant is not expected to disrupt CFI protein function with a negative predictive value of 95%. Studies have shown that this missense change alters CFI gene expression (PMID: 32510551). In summary, the available evidence is currently insufficient to determine the role of this variant in disease. Therefore, it has been classified as a Variant of Uncertain Significance.

Mayo Clinic Laboratories, Mayo Clinic
Classification: Uncertain significance. Last evaluated: 2025-07-17. Review status: criteria provided, single submitter. Criteria: ACMG Guidelines, 2015. Collection method: clinical testing. Allele origin: germline. Observed: 7 variant alleles.
Comment: BS3

Blueprint Genetics
Classification: Uncertain significance. Last evaluated: 2024-08-17. Review status: criteria provided, single submitter. Criteria: ACMG Guidelines, 2015. Collection method: clinical testing. Allele origin: germline.

Fulgent Genetics
Classification: Uncertain significance for Factor I deficiency; Atypical hemolytic-uremic syndrome with I factor anomaly; Age related macular degeneration 13. Last evaluated: 2024-05-06. Review status: criteria provided, single submitter. Criteria: ACMG Guidelines, 2015. Collection method: clinical testing. Allele origin: germline.

Literature cited by the submitters: PubMed 32510551 (cited by 3 submitters); PubMed 34272986 (cited by 3 submitters); PubMed 38041748 (cited by Genomenon, Inc); PubMed 19861685 (cited by 3 submitters); PubMed 25899302 (cited by Labcorp Genetics (formerly Invitae), Labcorp and Mayo Clinic Laboratories, Mayo Clinic); PubMed 28750931 (cited by Labcorp Genetics (formerly Invitae), Labcorp and Mayo Clinic Laboratories, Mayo Clinic); PubMed 34153144 (cited by Labcorp Genetics (formerly Invitae), Labcorp and Mayo Clinic Laboratories, Mayo Clinic); PubMed 38852887 (cited by Labcorp Genetics (formerly Invitae), Labcorp and Mayo Clinic Laboratories, Mayo Clinic); PubMed 25788521 (cited by Mayo Clinic Laboratories, Mayo Clinic); PubMed 27939104 (cited by Mayo Clinic Laboratories, Mayo Clinic); PubMed 29500241 (cited by Mayo Clinic Laboratories, Mayo Clinic).